The following is an entry in ClinVar:

ClinVar aggregate classification (germline): Benign/Likely benign. Review status: criteria provided, multiple submitters, no conflicts (2 of 4 stars). 29 submissions from 23 submitters: Benign (19); Likely benign (5). 5 of the submissions do not count toward it. Last evaluated 2026-09-01.

Conditions:
Connective tissue disorder. Also called: Connective tissue disease. Identifiers: MedGen C0009782, MONDO:0003900.
Geleophysic dysplasia. Identifiers: Orphanet 2623, MedGen C3489726, MONDO:0000127.
Weill-Marchesani syndrome. Also called: WM Syndrome; Mesodermal dysmorphodystrophy congenital. Identifiers: Orphanet 3449, MedGen C0265313, MONDO:0018096.
Familial thoracic aortic aneurysm and aortic dissection (TAAD). Also called: Thoracic aortic aneurysms and dissections. Identifiers: Orphanet 91387, MedGen C4707243, MONDO:0019625.
Marfan syndrome (MFS). Also called: Marfan syndrome, classic; FBN1-Related Marfan Syndrome; Marfan syndrome type 1; Marfan's syndrome; MARFAN SYNDROME, TYPE I. Identifiers: Orphanet 284963, Orphanet 558, MedGen C0024796, MONDO:0007947, OMIM 154700.
Acromicric dysplasia (ACMICD). Also called: Acromicric skeletal dysplasia. Identifiers: Orphanet 969, MedGen C0265287, MONDO:0007055, OMIM 102370.
Stiff skin syndrome (SSKS). Identifiers: Orphanet 2833, MedGen C1861456, MONDO:0008492, OMIM 184900.
Ectopia lentis 1, isolated, autosomal dominant (ECTOL1). Identifiers: Orphanet 1885, MedGen C3541518, MONDO:0007514, OMIM 129600.

Allele frequency attached by ClinVar (database versions not stated): gnomAD 0.00529 and 0.00561; gnomAD exomes 0.00679 and 0.00483; 1000 Genomes Project 0.00260; ExAC 0.00484; 1000 Genomes Project 30x 0.00219; TOPMed 0.00505; ESP Exome Variant Server 0.00678.

Submissions (29):

CeGaT Center for Human Genetics Tuebingen
Classification: Benign. Last evaluated: 2026-09-01. Review status: criteria provided, single submitter. Criteria: CeGaT Center For Human Genetics Tuebingen Variant Classification Criteria Version 2. Collection method: clinical testing. Allele origin: germline. Affected: yes. Observed: 81 variant alleles.
Comment: FBN1: BP4, BP7, BS1, BS2

Labcorp Genetics (formerly Invitae), Labcorp
Classification: Benign for Marfan syndrome; Familial thoracic aortic aneurysm and aortic dissection. Last evaluated: 2026-02-04. Review status: criteria provided, single submitter. Criteria: Invitae Variant Classification Sherloc (09022015). Collection method: clinical testing. Allele origin: germline.

ARUP Laboratories, Molecular Genetics and Genomics, ARUP Laboratories
Classification: Benign. Last evaluated: 2025-07-11. Review status: criteria provided, single submitter. Criteria: ARUP Molecular Germline Variant Investigation Process 2024. Collection method: clinical testing. Allele origin: germline.

Molecular Diagnostic Laboratory for Inherited Cardiovascular Disease, Montreal Heart Institute
Classification: Benign. Last evaluated: 2025-04-09. Review status: criteria provided, single submitter. Criteria: ACMG Guidelines, 2015. Collection method: clinical testing. Allele origin: germline. Affected: no.

Blueprint Genetics
Classification: Likely benign. Last evaluated: 2024-11-22. Review status: criteria provided, single submitter. Criteria: ACMG Guidelines, 2015. Collection method: clinical testing. Allele origin: germline.

Genome Diagnostics Laboratory, The Hospital for Sick Children
Classification: Benign for Connective tissue disorder. Last evaluated: 2022-04-25. Review status: criteria provided, single submitter. Criteria: ACMG Guidelines, 2015. Collection method: clinical testing. Allele origin: germline.

Mendelics
Classification: Likely benign for Marfan syndrome. Last evaluated: 2019-05-28. Review status: criteria provided, single submitter. Criteria: Mendelics Assertion Criteria 2017. Collection method: clinical testing. Allele origin: unknown.

GeneDx
Classification: Benign. Last evaluated: 2018-12-17. Review status: criteria provided, single submitter. Criteria: GeneDx Variant Classification Process June 2021. Collection method: clinical testing. Allele origin: germline. Affected: yes.
Comment: This variant is associated with the following publications: (PMID: 17627385, 26332594)

CHEO Genetics Diagnostic Laboratory, Children's Hospital of Eastern Ontario
Classification: Benign for Familial thoracic aortic aneurysm and aortic dissection. Last evaluated: 2018-10-03. Review status: criteria provided, single submitter. Criteria: ACMG Guidelines, 2015. Collection method: clinical testing. Allele origin: germline.

Color Diagnostics, LLC DBA Color Health
Classification: Benign for Familial thoracic aortic aneurysm and aortic dissection. Last evaluated: 2018-03-08. Review status: criteria provided, single submitter. Criteria: ACMG Guidelines, 2015. Collection method: clinical testing. Allele origin: germline.

Illumina Laboratory Services, Illumina
Classification: Benign for Marfan syndrome. Last evaluated: 2018-03-06. Review status: criteria provided, single submitter. Criteria: ICSL Variant Classification Criteria 13 December 2019. Collection method: clinical testing. Allele origin: germline.
Comment: This variant was observed in the ICSL laboratory as part of a predisposition screen in an ostensibly healthy population. It had not been previously curated by ICSL or reported in the Human Gene Mutation Database (HGMD: prior to June 1st, 2018), and was therefore a candidate for classification through an automated scoring system. Utilizing variant allele frequency, disease prevalence and penetrance estimates, and inheritance mode, an automated score was calculated to assess if this variant is too frequent to cause the disease. Based on the score and internal cut-off values, a variant classified as benign is not then subjected to further curation. The score for this variant resulted in a classification of benign for this disease.

Illumina Laboratory Services, Illumina
Classification: Benign for Geleophysic dysplasia. Last evaluated: 2018-03-06. Review status: criteria provided, single submitter. Criteria: ICSL Variant Classification Criteria 13 December 2019. Collection method: clinical testing. Allele origin: germline.
Comment: the same text as in the submission from Illumina Laboratory Services, Illumina above.

Illumina Laboratory Services, Illumina
Classification: Likely benign for Familial thoracic aortic aneurysm and aortic dissection. Last evaluated: 2018-03-06. Review status: criteria provided, single submitter. Criteria: ICSL Variant Classification Criteria 13 December 2019. Collection method: clinical testing. Allele origin: germline.
Comment: This variant was observed in the ICSL laboratory as part of a predisposition screen in an ostensibly healthy population. It had not been previously curated by ICSL or reported in the Human Gene Mutation Database (HGMD: prior to June 1st, 2018), and was therefore a candidate for classification through an automated scoring system. Utilizing variant allele frequency, disease prevalence and penetrance estimates, and inheritance mode, an automated score was calculated to assess if this variant is too frequent to cause the disease. Based on the score and internal cut-off values, a variant classified as likely benign is not then subjected to further curation. The score for this variant resulted in a classification of likely benign for this disease.

Illumina Laboratory Services, Illumina
Classification: Benign for Weill-Marchesani syndrome. Last evaluated: 2018-03-06. Review status: criteria provided, single submitter. Criteria: ICSL Variant Classification Criteria 13 December 2019. Collection method: clinical testing. Allele origin: germline.
Comment: the same text as in the submission from Illumina Laboratory Services, Illumina above.

Illumina Laboratory Services, Illumina
Classification: Benign for Ectopia lentis 1, isolated, autosomal dominant. Last evaluated: 2018-03-06. Review status: criteria provided, single submitter. Criteria: ICSL Variant Classification Criteria 13 December 2019. Collection method: clinical testing. Allele origin: germline.
Comment: the same text as in the submission from Illumina Laboratory Services, Illumina above.

Illumina Laboratory Services, Illumina
Classification: Benign for Stiff skin syndrome. Last evaluated: 2018-03-06. Review status: criteria provided, single submitter. Criteria: ICSL Variant Classification Criteria 13 December 2019. Collection method: clinical testing. Allele origin: germline.
Comment: the same text as in the submission from Illumina Laboratory Services, Illumina above.

Illumina Laboratory Services, Illumina
Classification: Benign for Acromicric dysplasia. Last evaluated: 2018-03-06. Review status: criteria provided, single submitter. Criteria: ICSL Variant Classification Criteria 13 December 2019. Collection method: clinical testing. Allele origin: germline.
Comment: the same text as in the submission from Illumina Laboratory Services, Illumina above.

Center for Pediatric Genomic Medicine, Children's Mercy Hospital and Clinics
Classification: Benign. Last evaluated: 2016-12-27. Review status: criteria provided, single submitter. Criteria: ACMG Guidelines, 2015. Collection method: clinical testing. Allele origin: germline.

Mayo Clinic Laboratories, Mayo Clinic
Classification: Benign. Last evaluated: 2015-07-17. Review status: criteria provided, single submitter. Criteria: ACMG Guidelines, 2015. Collection method: clinical testing. Allele origin: germline. Observed: 30 variant alleles.

Eurofins Ntd Llc (ga)
Classification: Benign. Last evaluated: 2015-01-02. Review status: criteria provided, single submitter. Criteria: EGL Classification Definitions 2015. Collection method: clinical testing. Allele origin: germline. Observed: 1 variant allele, 1 heterozygote.

Ambry Genetics
Classification: Benign for Familial thoracic aortic aneurysm and aortic dissection. Last evaluated: 2014-09-29. Review status: criteria provided, single submitter. Criteria: Ambry Variant Classification Scheme 2023. Collection method: clinical testing. Allele origin: germline.

Laboratory for Molecular Medicine, Mass General Brigham Personalized Medicine
Classification: Benign. Last evaluated: 2008-03-01. Review status: criteria provided, single submitter. Criteria: LMM Criteria. Collection method: clinical testing. Allele origin: germline. Observed: 12 variant alleles.

Breakthrough Genomics
Classification: Likely benign. Review status: criteria provided, single submitter. Criteria: ACMG Guidelines, 2015. Collection method: not provided. Allele origin: germline. Inheritance: Autosomal dominant inheritance. Affected: yes.

PreventionGenetics, part of Exact Sciences
Classification: Likely benign. Review status: criteria provided, single submitter. Criteria: ACMG Guidelines, 2015. Collection method: clinical testing. Allele origin: germline.

Cohesion Phenomics
Classification: Benign for Marfan syndrome. Last evaluated: 2022-09-23. Review status: no assertion criteria provided. Criteria: ACMG Guidelines, 2015. Collection method: clinical testing. Allele origin: germline. Affected: yes. Not counted in ClinVar's aggregate classification.

Clinical Genetics DNA and cytogenetics Diagnostics Lab, Erasmus MC, Erasmus Medical Center
Classification: Benign. Review status: no assertion criteria provided. Collection method: clinical testing. Allele origin: germline. Affected: yes. Study: VKGL Data-share Consensus. Not counted in ClinVar's aggregate classification.

Genome Diagnostics Laboratory, Amsterdam University Medical Center
Classification: Benign. Review status: no assertion criteria provided. Collection method: clinical testing. Allele origin: germline. Affected: yes. Study: VKGL Data-share Consensus. Not counted in ClinVar's aggregate classification.

Genome Diagnostics Laboratory, University Medical Center Utrecht
Classification: Benign. Review status: no assertion criteria provided. Collection method: clinical testing. Allele origin: germline. Affected: yes. Study: VKGL Data-share Consensus. Not counted in ClinVar's aggregate classification.

Joint Genome Diagnostic Labs from Nijmegen and Maastricht, Radboudumc and MUMC+
Classification: Likely benign. Review status: no assertion criteria provided. Collection method: clinical testing. Allele origin: germline. Affected: yes. Study: VKGL Data-share Consensus. Not counted in ClinVar's aggregate classification.

Literature cited by the submitters: PubMed 20200614 (cited by Eurofins Ntd Llc (ga)).

NM_000138.5(FBN1):c.5343G>A (p.Val1781=)

Gene: FBN1 (fibrillin 1; minus strand). Cytogenetic location: 15q21.1.
Variant type: single nucleotide variant.
Coding change: c.5343G>A on transcript NM_000138.5 (MANE Select); coding-DNA position 5343, G replaced by A.
Protein change: p.Val1781=; no amino-acid change (valine 1781 retained).
Molecular consequence: synonymous variant.
Genome position (GRCh38, 1-based): chr15:48,456,716, C>T on the plus strand (G>A on the coding strand, the complement: FBN1 is on the minus strand). VCF-style: chr15-48456716-C-T. GRCh37 (hg19) VCF-style: chr15-48748913-C-T.
Other names: p.V1781V:GTG>GTA; p.Val1781=.
Identifiers: ClinVar variation 42381 (VCV000042381.86), dbSNP rs140649, ClinGen allele CA015765.